The following is an entry in ClinVar:

NM_032043.3(BRIP1):c.2472C>T (p.Ala824=)

Gene: BRIP1 (BRCA1 interacting DNA helicase 1; minus strand). Cytogenetic location: 17q23.2.
Variant type: single nucleotide variant.
Coding change: c.2472C>T on transcript NM_032043.3 (MANE Select); coding-DNA position 2472, C replaced by T.
Protein change: p.Ala824=; no amino-acid change (alanine 824 retained).
Molecular consequence: synonymous variant.
Genome position (GRCh38, 1-based): chr17:61,715,971, G>A on the plus strand (C>T on the coding strand, the complement: BRIP1 is on the minus strand). VCF-style: chr17-61715971-G-A. GRCh37 (hg19) VCF-style: chr17-59793332-G-A.
Identifiers: ClinVar variation 479465 (VCV000479465.22), dbSNP rs767666616, ClinGen allele CA8690524.

ClinVar aggregate classification (germline): Conflicting classifications of pathogenicity. Review status: criteria provided, conflicting classifications (1 of 4 stars). 6 submissions from 6 submitters: Uncertain significance (1); Benign (1); Likely benign (4). Last evaluated 2026-01-12.

Conditions:
Hereditary cancer-predisposing syndrome. Also called: Tumor predisposition; Neoplastic Syndromes, Hereditary; Hereditary Cancer Syndrome; Hereditary neoplastic syndrome. Identifiers: Orphanet 140162, MedGen C0027672, MeSH D009386, MONDO:0015356.
Fanconi anemia complementation group J. Also called: BRIP1-Related Fanconi Anemia. Identifiers: Orphanet 84, MedGen C1836860, MONDO:0012187, OMIM 609054.
Familial cancer of breast. Also called: BREAST CANCER, FAMILIAL; Hereditary breast cancer; hereditary breast carcinoma. Identifiers: Orphanet 227535, MedGen C0346153, MONDO:0016419, OMIM 114480. Disease mechanism: loss of function.

Allele frequency attached by ClinVar (database versions not stated): gnomAD exomes below 0.00001 and 0.00001; ExAC 0.00001.
gnomAD v4.1: 8 of 1,604,412 alleles (0.0005%); highest among the groups gnomAD compares: South Asian, 0.0089%; 1 homozygote.

Submissions (6):

Labcorp Genetics (formerly Invitae), Labcorp
Classification: Likely benign for Familial cancer of breast; Fanconi anemia complementation group J. Last evaluated: 2026-01-12. Review status: criteria provided, single submitter. Criteria: Invitae Variant Classification Sherloc (09022015). Collection method: clinical testing. Allele origin: germline.

Myriad Genetics, Inc.
Classification: Benign for Familial cancer of breast. Last evaluated: 2024-09-05. Review status: criteria provided, single submitter. Criteria: Myriad Autosomal Dominant, Autosomal Recessive and X-Linked Classification Criteria (2023). Collection method: clinical testing. Allele origin: unknown.
Comment: This variant is considered benign. This variant is a silent/synonymous amino acid change and it is not expected to impact splicing.

KCCC/NGS Laboratory, Kuwait Cancer Control Center
Classification: Likely benign for Familial cancer of breast. Last evaluated: 2023-07-07. Review status: criteria provided, single submitter. Criteria: ACMG Guidelines, 2015. Collection method: clinical testing. Allele origin: germline. Affected: yes.

Color Diagnostics, LLC DBA Color Health
Classification: Likely benign for Hereditary cancer-predisposing syndrome. Last evaluated: 2020-10-08. Review status: criteria provided, single submitter. Criteria: ACMG Guidelines, 2015. Collection method: clinical testing. Allele origin: germline.

Quest Diagnostics Nichols Institute San Juan Capistrano
Classification: Uncertain significance. Last evaluated: 2017-12-27. Review status: criteria provided, single submitter. Criteria: Quest Diagnostics criteria. Collection method: clinical testing. Allele origin: germline.

Ambry Genetics
Classification: Likely benign for Hereditary cancer-predisposing syndrome. Last evaluated: 2017-02-14. Review status: criteria provided, single submitter. Criteria: Ambry Variant Classification Scheme 2023. Collection method: clinical testing. Allele origin: germline.